The following is an entry in ClinVar:

NM_005591.4(MRE11):c.494G>C (p.Ser165Thr)

Gene: MRE11 (MRE11 double strand break repair nuclease; minus strand). Cytogenetic location: 11q21.
Variant type: single nucleotide variant.
Coding change: c.494G>C on transcript NM_005591.4 (MANE Select); coding-DNA position 494, G replaced by C.
Protein change: p.Ser165Thr; replaces serine 165 with threonine.
Molecular consequence: missense variant. On other transcripts: intron variant (3).
Genome position (GRCh38, 1-based): chr11:94,478,785, C>G on the plus strand (G>C on the coding strand, the complement: MRE11 is on the minus strand). VCF-style: chr11-94478785-C-G. GRCh37 (hg19) VCF-style: chr11-94211951-C-G.
Other names: c.26G>C, p.Ser9Thr (NM_001440486.1, NM_001440487.1, NM_001440485.1); c.494G>C, p.Ser165Thr (NM_005590.4, NM_001440473.1, NM_001440474.1 and 18 more transcripts); c.315-7026G>C (NM_001440483.1, NM_001440484.1, NM_001440482.1); c.419G>C, p.Ser140Thr (NM_001440479.1, NM_001440471.1, NM_001440472.1); short protein forms S140T, S165T, S9T.
Identifiers: ClinVar variation 4860267 (VCV004860267.1).

ClinVar aggregate classification (germline): Uncertain significance (1 of 4 stars; one submission).

Conditions:
Hereditary cancer-predisposing syndrome. Also called: Neoplastic Syndromes, Hereditary; Tumor predisposition; Hereditary Cancer Syndrome; Hereditary neoplastic syndrome. Identifiers: Orphanet 140162, MedGen C0027672, MeSH D009386, MONDO:0015356.

Submission:

Ambry Genetics
Classification: Uncertain significance for Hereditary cancer-predisposing syndrome. Last evaluated: 2026-03-20. Review status: criteria provided, single submitter. Criteria: Ambry Variant Classification Scheme 2023. Collection method: clinical testing. Allele origin: germline.
Comment: The p.S165T variant (also known as c.494G>C), located in coding exon 5 of the MRE11A gene, results from a G to C substitution at nucleotide position 494. The serine at codon 165 is replaced by threonine, an amino acid with similar properties. This amino acid position is conserved. In addition, the in silico prediction for this alteration is inconclusive. Based on the available evidence, the clinical significance of this variant remains unclear.